The following is an entry in ClinVar:

NM_032043.3(BRIP1):c.404C>T (p.Ala135Val)

Gene: BRIP1 (BRCA1 interacting DNA helicase 1; minus strand). Cytogenetic location: 17q23.2.
Variant type: single nucleotide variant.
Coding change: c.404C>T on transcript NM_032043.3 (MANE Select); coding-DNA position 404, C replaced by T.
Protein change: p.Ala135Val; replaces alanine 135 with valine.
Molecular consequence: missense variant.
Genome position (GRCh38, 1-based): chr17:61,849,232, G>A on the plus strand (C>T on the coding strand, the complement: BRIP1 is on the minus strand). VCF-style: chr17-61849232-G-A. GRCh37 (hg19) VCF-style: chr17-59926593-G-A.
Other names: short protein forms A135V.
Identifiers: ClinVar variation 1320474 (VCV001320474.7), dbSNP rs1295736478, ClinGen allele CA400484569.

ClinVar aggregate classification (germline): Uncertain significance. Review status: criteria provided, multiple submitters, no conflicts (2 of 4 stars). 3 submissions from 3 submitters: Uncertain significance (3). Last evaluated 2025-08-21.

Conditions:
Hereditary cancer-predisposing syndrome. Also called: Neoplastic Syndromes, Hereditary; Hereditary Cancer Syndrome; Tumor predisposition; Hereditary neoplastic syndrome. Identifiers: Orphanet 140162, MedGen C0027672, MeSH D009386, MONDO:0015356.
Familial cancer of breast. Also called: Hereditary breast cancer; hereditary breast carcinoma; BREAST CANCER, FAMILIAL. Identifiers: Orphanet 227535, MedGen C0346153, MONDO:0016419, OMIM 114480. Disease mechanism: loss of function.
Fanconi anemia complementation group J. Also called: BRIP1-Related Fanconi Anemia. Identifiers: Orphanet 84, MedGen C1836860, MONDO:0012187, OMIM 609054.

Submissions (3):

Ambry Genetics
Classification: Uncertain significance for Hereditary cancer-predisposing syndrome. Last evaluated: 2025-08-21. Review status: criteria provided, single submitter. Criteria: Ambry Variant Classification Scheme 2023. Collection method: clinical testing. Allele origin: germline.
Comment: The p.A135V variant (also known as c.404C>T), located in coding exon 4 of the BRIP1 gene, results from a C to T substitution at nucleotide position 404. The alanine at codon 135 is replaced by valine, an amino acid with similar properties. This amino acid position is conserved. In addition, this alteration is predicted to be tolerated by in silico analysis. Based on the available evidence, the clinical significance of this variant remains unclear.

Labcorp Genetics (formerly Invitae), Labcorp
Classification: Uncertain significance for Familial cancer of breast; Fanconi anemia complementation group J. Last evaluated: 2022-02-23. Review status: criteria provided, single submitter. Criteria: Invitae Variant Classification Sherloc (09022015). Collection method: clinical testing. Allele origin: germline.
Comment: In summary, the available evidence is currently insufficient to determine the role of this variant in disease. Therefore, it has been classified as a Variant of Uncertain Significance. This sequence change replaces alanine, which is neutral and non-polar, with valine, which is neutral and non-polar, at codon 135 of the BRIP1 protein (p.Ala135Val). This variant is not present in population databases (gnomAD no frequency). This variant has not been reported in the literature in individuals affected with BRIP1-related conditions. ClinVar contains an entry for this variant (Variation ID: 1320474). Algorithms developed to predict the effect of missense changes on protein structure and function are either unavailable or do not agree on the potential impact of this missense change (SIFT: "Tolerated"; PolyPhen-2: "Probably Damaging"; Align-GVGD: "Class C0").

GeneDx
Classification: Uncertain significance. Last evaluated: 2019-04-25. Review status: criteria provided, single submitter. Criteria: GeneDx Variant Classification Process June 2021. Collection method: clinical testing. Allele origin: germline. Affected: yes.
Comment: Not observed in large population cohorts (Lek et al., 2016); Has not been previously published as pathogenic or benign to our knowledge